The following is an entry in ClinVar:

NM_001363711.2(DUOX2):c.1711C>T (p.Pro571Ser)

Gene: DUOX2 (dual oxidase 2; minus strand). Cytogenetic location: 15q21.1.
Variant type: single nucleotide variant.
Coding change: c.1711C>T on transcript NM_001363711.2 (MANE Select); coding-DNA position 1711, C replaced by T.
Protein change: p.Pro571Ser; replaces proline 571 with serine.
Molecular consequence: missense variant.
Genome position (GRCh38, 1-based): chr15:45,106,952, G>A on the plus strand (C>T on the coding strand, the complement: DUOX2 is on the minus strand). VCF-style: chr15-45106952-G-A. GRCh37 (hg19) VCF-style: chr15-45399150-G-A.
Other names: c.1711C>T, p.Pro571Ser (NM_014080.5); short protein forms P571S.
Identifiers: ClinVar variation 4693307 (VCV004693307.1).
Genomic context (GRCh38, chr15:45,106,952, plus strand): 5'-AGAAGTCAAGCACAGTCAGGGGTGCACACTGGGGCAGGCCGTCAGTTGTGAGCTGCTTAG[G>A]TTGAGGGCAGGGTGCACCTGAGGGAGAGGGCAGGGAAGACCTCAAAGTCTGAGGATCCCG-3'
Protein context (NP_001350640.1, residues 561-581): VWHKGAPCPQ[Pro571Ser]KQLTTDGLPQ

ClinVar aggregate classification (germline): Uncertain significance (1 of 4 stars; one submission).

Submission:

Labcorp Genetics (formerly Invitae), Labcorp
Classification: Uncertain significance. Last evaluated: 2025-09-10. Review status: criteria provided, single submitter. Criteria: Invitae Variant Classification Sherloc (09022015). Collection method: clinical testing. Allele origin: germline.
Comment: This sequence change replaces proline, which is neutral and non-polar, with serine, which is neutral and polar, at codon 571 of the DUOX2 protein (p.Pro571Ser). This variant is present in population databases (no rsID available, gnomAD 0.01%). This variant has not been reported in the literature in individuals affected with DUOX2-related conditions. Invitae Evidence Modeling of protein sequence and biophysical properties (such as structural, functional, and spatial information, amino acid conservation, physicochemical variation, residue mobility, and thermodynamic stability) indicates that this missense variant is expected to disrupt DUOX2 protein function with a positive predictive value of 80%. In summary, the available evidence is currently insufficient to determine the role of this variant in disease. Therefore, it has been classified as a Variant of Uncertain Significance.